The following is an entry in ClinVar:

ClinVar aggregate classification (germline): Pathogenic. Review status: criteria provided, multiple submitters, no conflicts (2 of 4 stars). 2 submissions from 2 submitters: Pathogenic (2). Last evaluated 2026-04-01.

Conditions:
Primary ciliary dyskinesia. Also called: Ciliary dyskinesia. Identifiers: Orphanet 244, MedGen C0008780, MONDO:0016575, HP:0012265.

Allele frequency attached by ClinVar (database versions not stated): gnomAD exomes below 0.00001.
gnomAD v4.1: 3 of 1,612,752 alleles (0.00019%); highest among the groups gnomAD compares: Non-Finnish European, 0.00025%; no homozygotes.

Submissions (2):

GeneDx
Classification: Pathogenic. Last evaluated: 2026-04-01. Review status: criteria provided, single submitter. Criteria: GeneDx Variant Classification Process June 2021. Collection method: clinical testing. Allele origin: germline.
Comment: Nonsense variant predicted to result in protein truncation or nonsense mediated decay in a gene for which loss of function is a known mechanism of disease; Not observed at significant frequency in large population cohorts (gnomAD); This variant is associated with the following publications: (PMID: 22184204)

Labcorp Genetics (formerly Invitae), Labcorp
Classification: Pathogenic for Primary ciliary dyskinesia. Last evaluated: 2025-09-14. Review status: criteria provided, single submitter. Criteria: Invitae Variant Classification Sherloc (09022015). Collection method: clinical testing. Allele origin: germline.
Comment: This sequence change creates a premature translational stop signal (p.Glu1301*) in the DNAH11 gene. It is expected to result in an absent or disrupted protein product. Loss-of-function variants in DNAH11 are known to be pathogenic (PMID: 18022865, 20513915, 22184204). This variant is present in population databases (rs72657308, gnomAD 0.0009%). This premature translational stop signal has been observed in individual(s) with clinical features of primary ciliary dyskinesia (PMID: 22184204). ClinVar contains an entry for this variant (Variation ID: 1433676). For these reasons, this variant has been classified as Pathogenic.

Literature cited by the submitters: PubMed 18022865 (cited by Labcorp Genetics (formerly Invitae), Labcorp); PubMed 20513915 (cited by Labcorp Genetics (formerly Invitae), Labcorp); PubMed 22184204 (cited by Labcorp Genetics (formerly Invitae), Labcorp).

NM_001277115.2(DNAH11):c.3901G>T (p.Glu1301Ter)

Gene: DNAH11 (dynein axonemal heavy chain 11; plus strand). Cytogenetic location: 7p15.3.
Variant type: single nucleotide variant.
Coding change: c.3901G>T on transcript NM_001277115.2 (MANE Select); coding-DNA position 3901, G replaced by T.
Protein change: p.Glu1301Ter; replaces glutamic acid 1301 with a stop codon.
Molecular consequence: nonsense.
Genome position (GRCh38, 1-based): chr7:21,615,162, G>T. VCF-style: chr7-21615162-G-T. GRCh37 (hg19) VCF-style: chr7-21654780-G-T.
Other names: c.3901G>T (NM_001277115.1); short protein forms E1301*.
Identifiers: ClinVar variation 1433676 (VCV001433676.7), dbSNP rs72657308, ClinGen allele CA155104055.